The following is an entry in ClinVar:

NM_014845.6(FIG4):c.731G>A (p.Arg244His)

Gene: FIG4 (FIG4 phosphoinositide 5-phosphatase; plus strand). Cytogenetic location: 6q21.
Variant type: single nucleotide variant.
Coding change: c.731G>A on transcript NM_014845.6 (MANE Select); coding-DNA position 731, G replaced by A.
Protein change: p.Arg244His; replaces arginine 244 with histidine.
Molecular consequence: missense variant.
Genome position (GRCh38, 1-based): chr6:109,738,409, G>A. VCF-style: chr6-109738409-G-A. GRCh37 (hg19) VCF-style: chr6-110059612-G-A.
Other names: short protein forms R244H.
Identifiers: ClinVar variation 1431259 (VCV001431259.6), dbSNP rs768175169, ClinGen allele CA3955887.
Genomic context (GRCh38, chr6:109,738,409, plus strand): 5'-CTTATATGAAATATGTATGGAATGGTGAACTTCTGGATATAATTAAAAGTACTGTGCATC[G>A]TGACTGGCTTTTGTATATTATTCATGGGTTCTGTGGGCAGTCAAGTATCCTTTCTGAAGA-3'
Protein context (NP_055660.1, residues 234-254): LLDIIKSTVH[Arg244His]DWLLYIIHGF

ClinVar aggregate classification (germline): Uncertain significance (1 of 4 stars; one submission).

Conditions:
Charcot-Marie-Tooth disease type 4. Also called: Charcot-Marie-Tooth, Type 4; Charcot-Marie-Tooth disease, type IV. Identifiers: Orphanet 64749, MedGen C4082197, MONDO:0018995.

Allele frequency attached by ClinVar (database versions not stated): TOPMed 0.00001; gnomAD exomes 0.00002; ExAC 0.00003.
gnomAD v4.1: 25 of 1,612,692 alleles (0.0016%); highest among the groups gnomAD compares: East Asian, 0.011%; no homozygotes.

Submission:

Labcorp Genetics (formerly Invitae), Labcorp
Classification: Uncertain significance for Charcot-Marie-Tooth disease type 4. Last evaluated: 2025-05-11. Review status: criteria provided, single submitter. Criteria: Invitae Variant Classification Sherloc (09022015). Collection method: clinical testing. Allele origin: germline.
Comment: This sequence change replaces arginine, which is basic and polar, with histidine, which is basic and polar, at codon 244 of the FIG4 protein (p.Arg244His). This variant is present in population databases (rs768175169, gnomAD 0.006%). This variant has not been reported in the literature in individuals affected with FIG4-related conditions. ClinVar contains an entry for this variant (Variation ID: 1431259). An algorithm developed to predict the effect of missense changes on protein structure and function outputs the following: PolyPhen-2: "Benign". The histidine amino acid residue is found in multiple mammalian species, which suggests that this missense change does not adversely affect protein function. In summary, the available evidence is currently insufficient to determine the role of this variant in disease. Therefore, it has been classified as a Variant of Uncertain Significance.